The following is an entry in ClinVar:

NM_004168.4(SDHA):c.439C>T (p.Pro147Ser)

Gene: SDHA (succinate dehydrogenase complex flavoprotein subunit A; plus strand). Cytogenetic location: 5p15.33.
Variant type: single nucleotide variant.
Coding change: c.439C>T on transcript NM_004168.4 (MANE Select); coding-DNA position 439, C replaced by T.
Protein change: p.Pro147Ser; replaces proline 147 with serine.
Molecular consequence: missense variant. On other transcripts: intron variant (1).
Genome position (GRCh38, 1-based): chr5:225,545, C>T. VCF-style: chr5-225545-C-T. GRCh37 (hg19) VCF-style: chr5-225660-C-T.
Other names: c.439C>T, p.Pro147Ser (NM_001330758.2); c.313-338C>T (NM_001294332.2); c.439C>T (NM_004168.2); short protein forms P147S.
Identifiers: ClinVar variation 1483320 (VCV001483320.9), dbSNP rs1734963793, ClinGen allele CA359009662.

ClinVar aggregate classification (germline): Uncertain significance. Review status: criteria provided, multiple submitters, no conflicts (2 of 4 stars). 2 submissions from 2 submitters: Uncertain significance (2). Last evaluated 2025-07-14.

Conditions:
Mitochondrial complex II deficiency, nuclear type 1. Also called: SUCCINATE CoQ REDUCTASE DEFICIENCY. Identifiers: Orphanet 3208, MedGen C5700310, MONDO:0100294, OMIM 252011.
Pheochromocytoma/paraganglioma syndrome 5. Also called: Paragangliomas 5; SDHA-Related Hereditary Paraganglioma-Pheochromocytoma Syndrome. Identifiers: Orphanet 29072, MedGen C3279992, MONDO:0013602, OMIM 614165.
Hereditary cancer-predisposing syndrome. Also called: Neoplastic Syndromes, Hereditary; Hereditary Cancer Syndrome; Hereditary neoplastic syndrome; Tumor predisposition. Identifiers: Orphanet 140162, MedGen C0027672, MeSH D009386, MONDO:0015356.

Allele frequency attached by ClinVar (database versions not stated): gnomAD exomes below 0.00001; gnomAD 0.00001.
gnomAD v4.1: 3 of 1,613,800 alleles (0.00019%); highest among the groups gnomAD compares: African/African-American, 0.0027%; no homozygotes.

Submissions (2):

Labcorp Genetics (formerly Invitae), Labcorp
Classification: Uncertain significance for Pheochromocytoma/paraganglioma syndrome 5; Mitochondrial complex II deficiency, nuclear type 1. Last evaluated: 2025-07-14. Review status: criteria provided, single submitter. Criteria: Invitae Variant Classification Sherloc (09022015). Collection method: clinical testing. Allele origin: germline.
Comment: This sequence change replaces proline, which is neutral and non-polar, with serine, which is neutral and polar, at codon 147 of the SDHA protein (p.Pro147Ser). This variant is not present in population databases (gnomAD no frequency). This variant has not been reported in the literature in individuals affected with SDHA-related conditions. ClinVar contains an entry for this variant (Variation ID: 1483320). Invitae Evidence Modeling of protein sequence and biophysical properties (such as structural, functional, and spatial information, amino acid conservation, physicochemical variation, residue mobility, and thermodynamic stability) indicates that this missense variant is not expected to disrupt SDHA protein function with a negative predictive value of 95%. In summary, the available evidence is currently insufficient to determine the role of this variant in disease. Therefore, it has been classified as a Variant of Uncertain Significance.

Ambry Genetics
Classification: Uncertain significance for Hereditary cancer-predisposing syndrome. Last evaluated: 2024-07-24. Review status: criteria provided, single submitter. Criteria: Ambry Variant Classification Scheme 2023. Collection method: clinical testing. Allele origin: germline.
Comment: The p.P147S variant (also known as c.439C>T), located in coding exon 4 of the SDHA gene, results from a C to T substitution at nucleotide position 439. The proline at codon 147 is replaced by serine, an amino acid with similar properties. This amino acid position is conserved. In addition, this alteration is predicted to be deleterious by in silico analysis. Based on the available evidence, the clinical significance of this variant remains unclear.